The following is an entry in ClinVar:

ClinVar aggregate classification (germline): Likely pathogenic (1 of 4 stars; one submission).

Conditions:
Duchenne muscular dystrophy (DMD). Also called: MUSCULAR DYSTROPHY, PSEUDOHYPERTROPHIC PROGRESSIVE, DUCHENNE TYPE; Duchenne Muscular Dystrophy (DMD). Identifiers: Orphanet 98896, MedGen C0013264, MONDO:0010679, OMIM 310200.

Submission:

Laboratory of Medical Genetics, National & Kapodistrian University of Athens
Classification: Likely pathogenic for Duchenne muscular dystrophy. Last evaluated: 2022-12-16. Review status: criteria provided, single submitter. Criteria: ACMG Guidelines, 2015. Collection method: clinical testing. Allele origin: germline. Affected: yes.
Comment: PVS1,PM2

NM_004006.3(DMD):c.847del (p.Ala283fs)

Gene: DMD (dystrophin; minus strand). Cytogenetic location: Xp21.1.
Variant type: Deletion.
Coding change: c.847del on transcript NM_004006.3 (MANE Select); coding-DNA position 847, one base deleted (G; older notation c.847delG).
Protein change: p.Ala283fs; shifts the reading frame from alanine 283.
Molecular consequence: frameshift variant.
Genome position (GRCh38, 1-based): chrX:32,697,983, C deleted on the plus strand (G on the coding strand, the reverse complement: DMD is on the minus strand). VCF-style (leftmost placement, unchanged base first): chrX-32697982-GC-G. GRCh37 (hg19) VCF-style: chrX-32716099-GC-G.
Other names: c.823del, p.Ala275fs (NM_000109.4); c.835del, p.Ala279fs (NM_004009.3); c.478del, p.Ala160fs (NM_004010.3); short protein forms A160fs, A275fs, A279fs, A283fs.
Identifiers: ClinVar variation 1806401 (VCV001806401.1), dbSNP rs2521105726, ClinGen allele CA2580100740.